The following is an entry in ClinVar:

ClinVar aggregate classification (germline): Benign/Likely benign. Review status: criteria provided, multiple submitters, no conflicts (2 of 4 stars). 3 submissions from 3 submitters: Benign (1); Likely benign (2). Last evaluated 2026-06-22.

Conditions:
Familial thoracic aortic aneurysm and aortic dissection (TAAD). Also called: Thoracic aortic aneurysms and dissections. Identifiers: Orphanet 91387, MedGen C4707243, MONDO:0019625.
Ehlers-Danlos syndrome, classic type, 1 (EDSCL1). Also called: EDS I; Ehlers-Danlos Syndrome, Classic Type, COL5A1-Related; EHLERS-DANLOS SYNDROME, GRAVIS TYPE; EHLERS-DANLOS SYNDROME, SEVERE CLASSIC TYPE; Ehlers-Danlos syndrome, type 1. Identifiers: MedGen C0268335, MONDO:0019567, OMIM 130000.

Allele frequency attached by ClinVar (database versions not stated): ExAC 0.00001; gnomAD 0.00001; gnomAD exomes 0.00001 and 0.00002; TOPMed 0.00001.
gnomAD v4.1: 21 of 1,612,452 alleles (0.0013%); highest among the groups gnomAD compares: South Asian, 0.02%; no homozygotes.

Submissions (3):

Ambry Genetics
Classification: Benign for Familial thoracic aortic aneurysm and aortic dissection. Last evaluated: 2026-06-22. Review status: criteria provided, single submitter. Criteria: Ambry Variant Classification Scheme 2023. Collection method: clinical testing. Allele origin: germline.

Labcorp Genetics (formerly Invitae), Labcorp
Classification: Likely benign for Ehlers-Danlos syndrome, classic type, 1. Last evaluated: 2025-12-11. Review status: criteria provided, single submitter. Criteria: Invitae Variant Classification Sherloc (09022015). Collection method: clinical testing. Allele origin: germline.

GeneDx
Classification: Likely benign. Last evaluated: 2018-02-27. Review status: criteria provided, single submitter. Criteria: GeneDx Variant Classification (06012015). Collection method: clinical testing. Allele origin: germline. Affected: yes.
Comment: This variant is considered likely benign or benign based on one or more of the following criteria: it is a conservative change, it occurs at a poorly conserved position in the protein, it is predicted to be benign by multiple in silico algorithms, and/or has population frequency not consistent with disease.

NM_000393.5(COL5A2):c.2392-4A>G

Gene: COL5A2 (collagen type V alpha 2 chain; minus strand). Cytogenetic location: 2q32.2.
Variant type: single nucleotide variant.
Coding change: c.2392-4A>G on transcript NM_000393.5 (MANE Select); 4 bases into the intron before coding-DNA position 2392, A replaced by G.
Molecular consequence: intron variant.
Genome position (GRCh38, 1-based): chr2:189,054,216, T>C on the plus strand (A>G on the coding strand, the complement: COL5A2 is on the minus strand). VCF-style: chr2-189054216-T-C. GRCh37 (hg19) VCF-style: chr2-189918942-T-C.
Identifiers: ClinVar variation 515802 (VCV000515802.9), dbSNP rs758314268, ClinGen allele CA2022340.